The following is an entry in ClinVar:

NM_000059.4(BRCA2):c.9906_9907delinsTT (p.Arg3302_Ser3303delinsSerCys)

Gene: BRCA2 (BRCA2 DNA repair associated; plus strand). Cytogenetic location: 13q13.1.
Variant type: Indel.
Coding change: c.9906_9907delinsTT on transcript NM_000059.4 (MANE Select); coding-DNA positions 9906 to 9907, GA replaced by TT.
Protein change: p.Arg3302_Ser3303delinsSerCys.
Molecular consequence: missense variant.
Genome position (GRCh38, 1-based): chr13:32,398,419-32,398,420, GA replaced by TT. VCF-style: chr13-32398419-GA-TT. GRCh37 (hg19) VCF-style: chr13-32972556-GA-TT.
Other names: c.9906_9907delGAinsTT (NM_000059.3).
Identifiers: ClinVar variation 232077 (VCV000232077.23), dbSNP rs876659538, ClinGen allele CA10579849.
Genomic context (GRCh38, chr13:32,398,419, plus strand): 5'-TGTTAGTCCCATTTGTACATTTGTTTCTCCGGCTGCACAGAAGGCATTTCAGCCACCAAG[GA>TT]GTTGTGGCACCAAATACGAAACACCCATAAAGAAAAAAGAACTGAATTCTCCTCAGATGA-3'

ClinVar aggregate classification (germline): Uncertain significance. Review status: criteria provided, multiple submitters, no conflicts (2 of 4 stars). 8 submissions from 8 submitters: Uncertain significance (8). Last evaluated 2025-12-01.

Conditions:
Hereditary cancer-predisposing syndrome. Also called: Neoplastic Syndromes, Hereditary; Tumor predisposition; Hereditary Cancer Syndrome; Hereditary neoplastic syndrome. Identifiers: Orphanet 140162, MedGen C0027672, MeSH D009386, MONDO:0015356.
Familial cancer of breast. Also called: BREAST CANCER, FAMILIAL; hereditary breast carcinoma; Hereditary breast cancer. Identifiers: Orphanet 227535, MedGen C0346153, MONDO:0016419, OMIM 114480. Disease mechanism: loss of function.
Hereditary breast ovarian cancer syndrome. Also called: BRCA1- and BRCA2-Associated Hereditary Breast and Ovarian Cancer; Hereditary breast and ovarian cancer syndrome; Hereditary breast and ovarian cancer; Hereditary breast and ovarian cancer syndrome (HBOC); Breast and ovarian cancer; Hereditary breast and/or ovarian cancer syndrome. Identifiers: Orphanet 145, MedGen C0677776, MeSH D061325, MONDO:0003582. Disease mechanism: loss of function.

Submissions (8):

Labcorp Genetics (formerly Invitae), Labcorp
Classification: Uncertain significance for Hereditary breast ovarian cancer syndrome. Last evaluated: 2025-12-01. Review status: criteria provided, single submitter. Criteria: Invitae Variant Classification Sherloc (09022015). Collection method: clinical testing. Allele origin: germline.
Comment: This variant, c.9906_9907delinsTT, is a complex sequence change that results in the in-frame exchange of 2 amino acid(s) in the BRCA2 protein (p.Arg3302_Ser3303delinsSerCys). Information on the frequency of this variant in the gnomAD database is not available, as this variant may be reported differently in the database. This variant has been observed in individual(s) with breast cancer (PMID: 18627636). This variant is also known as c.10135A>T. ClinVar contains an entry for this variant (Variation ID: 232077). Experimental studies and prediction algorithms are not available or were not evaluated, and the functional significance of this variant is currently unknown. In summary, the available evidence is currently insufficient to determine the role of this variant in disease. Therefore, it has been classified as a Variant of Uncertain Significance.

Ambry Genetics
Classification: Uncertain significance for Hereditary cancer-predisposing syndrome. Last evaluated: 2023-09-12. Review status: criteria provided, single submitter. Criteria: Ambry Variant Classification Scheme 2023. Collection method: clinical testing. Allele origin: germline.
Comment: The c.9906_9907delGAinsTT variant (also known as p.R3302_S3303delinsSC), located in coding exon 26 of the BRCA2 gene, results from an in-frame deletion of GA and insertion of TT at nucleotide positions 9906 to 9907. This results in the substitution of the arginine and serine residues for serine and cysteine residues at codons 3302 and 3303, amino acids with highly similar properties. This amino acid region is not well conserved in available vertebrate species. In addition, the in silico prediction for this alteration is inconclusive (Choi Y et al. PLoS ONE. 2012; 7(10):e46688). Since supporting evidence is limited at this time, the clinical significance of this alteration remains unclear.

Baylor Genetics
Classification: Uncertain significance for Familial cancer of breast. Last evaluated: 2023-08-24. Review status: criteria provided, single submitter. Criteria: ACMG Guidelines, 2015. Collection method: clinical testing. Allele origin: unknown.

GeneDx
Classification: Uncertain significance. Last evaluated: 2023-05-18. Review status: criteria provided, single submitter. Criteria: GeneDx Variant Classification Process June 2021. Collection method: clinical testing. Allele origin: germline. Affected: yes.
Comment: Not observed in large population cohorts (gnomAD); In silico analysis supports a deleterious effect on protein structure/function; Has not been previously published as pathogenic or benign to our knowledge; Also known as 10134_10135delGAinsTT; This variant is associated with the following publications: (PMID: 9126738)

Women's Health and Genetics/Laboratory Corporation of America, LabCorp
Classification: Uncertain significance. Last evaluated: 2022-12-12. Review status: criteria provided, single submitter. Criteria: LabCorp Variant Classification Summary - May 2015. Collection method: clinical testing. Allele origin: germline.
Comment: Variant summary: BRCA2 c.9906_9907delinsTT (p.Arg3302_Ser3303delinsSerCys) results in an in-frame deletion-insertion that is predicted to delete/insert RS/SC amino acids from the protein. The variant was absent in 251252 control chromosomes (gnomAD). The available data on variant occurrences in the general population are insufficient to allow any conclusion about variant significance. To our knowledge, no occurrence of c.9906_9907delinsTT in individuals affected with Hereditary Breast And Ovarian Cancer Syndrome and no experimental evidence demonstrating its impact on protein function have been reported. Six clinical diagnostic laboratories have submitted clinical-significance assessments for this variant to ClinVar after 2014 and all classified the variant as uncertain significance. Based on the evidence outlined above, the variant was classified as uncertain significance.

Sema4
Classification: Uncertain significance for Hereditary cancer-predisposing syndrome. Last evaluated: 2021-06-07. Review status: criteria provided, single submitter. Criteria: Sema4 Curation Guidelines. Collection method: curation. Allele origin: germline.
Comment: The BRCA2 c.9906_9907delGAinsTT (p.R3302_S3303delinsSC) variant has not been reported in the literature to our knowledge. It was not observed in the large and broad cohorts of the Genome Aggregation Database (PMID: 32461654) but has been reported in ClinVar (Variation ID 232077). The evidence is insufficient to meet ACMG/AMP criteria for classifying the variant as benign or pathogenic. Thus, the clinical significance of this variant is currently uncertain.

Color Diagnostics, LLC DBA Color Health
Classification: Uncertain significance for Hereditary cancer-predisposing syndrome. Last evaluated: 2020-09-08. Review status: criteria provided, single submitter. Criteria: ACMG Guidelines, 2015. Collection method: clinical testing. Allele origin: germline.
Comment: This missense variant replaces arginine at codon 3302 and serine at codon 3303 of the BRCA2 protein with serine and cysteine, respectively. To our knowledge, functional studies have not been reported for this variant. This variant has not been reported in individuals affected with hereditary cancer in the literature. This variant has not been identified in the general population by the Genome Aggregation Database (gnomAD). The available evidence is insufficient to determine the role of this variant in disease conclusively. Therefore, this variant is classified as a Variant of Uncertain Significance.

Quest Diagnostics Nichols Institute San Juan Capistrano
Classification: Uncertain significance. Last evaluated: 2019-08-20. Review status: criteria provided, single submitter. Criteria: Quest Diagnostics criteria. Collection method: clinical testing. Allele origin: germline.

Literature cited by the submitters: PubMed 18627636 (cited by Labcorp Genetics (formerly Invitae), Labcorp).